The following is an entry in ClinVar:

NM_005585.5(SMAD6):c.853C>T (p.Arg285Cys)

Gene: SMAD6 (SMAD family member 6; plus strand). Cytogenetic location: 15q22.31.
Variant type: single nucleotide variant.
Coding change: c.853C>T on transcript NM_005585.5 (MANE Select); coding-DNA position 853, C replaced by T.
Protein change: p.Arg285Cys; replaces arginine 285 with cysteine.
Molecular consequence: missense variant. On other transcripts: non-coding transcript variant (1).
Genome position (GRCh38, 1-based): chr15:66,711,703, C>T. VCF-style: chr15-66711703-C-T. GRCh37 (hg19) VCF-style: chr15-67004041-C-T.
Other names: short protein forms R285C.
Identifiers: ClinVar variation 938621 (VCV000938621.11), dbSNP rs749741980, ClinGen allele CA7626591.

ClinVar aggregate classification (germline): Conflicting classifications of pathogenicity. Review status: criteria provided, conflicting classifications (1 of 4 stars). 3 submissions from 3 submitters: Uncertain significance (1); Likely benign (2). Last evaluated 2024-11-04.

Conditions:
Inborn genetic diseases. Identifiers: MedGen C0950123, MeSH D030342.
Aortic valve disease 2 (AOVD2). Identifiers: MedGen C3542024, MONDO:0013902, OMIM 614823.

Allele frequency attached by ClinVar (database versions not stated): gnomAD 0.00003 and 0.00004; TOPMed 0.00003; gnomAD exomes 0.00004 and 0.00008; ExAC 0.00005.
gnomAD v4.1: 67 of 1,613,732 alleles (0.0042%); highest among the groups gnomAD compares: Admixed American, 0.0033%; no homozygotes.

Submissions (3):

Women's Health and Genetics/Laboratory Corporation of America, LabCorp
Classification: Likely benign. Last evaluated: 2024-11-04. Review status: criteria provided, single submitter. Criteria: LabCorp Variant Classification Summary - May 2015. Collection method: clinical testing. Allele origin: germline.

Labcorp Genetics (formerly Invitae), Labcorp
Classification: Uncertain significance for Aortic valve disease 2. Last evaluated: 2024-01-31. Review status: criteria provided, single submitter. Criteria: Invitae Variant Classification Sherloc (09022015). Collection method: clinical testing. Allele origin: germline.
Comment: This sequence change replaces arginine, which is basic and polar, with cysteine, which is neutral and slightly polar, at codon 285 of the SMAD6 protein (p.Arg285Cys). This variant is present in population databases (rs749741980, gnomAD 0.1%), and has an allele count higher than expected for a pathogenic variant. This variant has not been reported in the literature in individuals affected with SMAD6-related conditions. ClinVar contains an entry for this variant (Variation ID: 938621). Advanced modeling of protein sequence and biophysical properties (such as structural, functional, and spatial information, amino acid conservation, physicochemical variation, residue mobility, and thermodynamic stability) performed at Invitae indicates that this missense variant is not expected to disrupt SMAD6 protein function with a negative predictive value of 80%. In summary, the available evidence is currently insufficient to determine the role of this variant in disease. Therefore, it has been classified as a Variant of Uncertain Significance.

Ambry Genetics
Classification: Likely benign for Inborn genetic diseases. Last evaluated: 2023-11-27. Review status: criteria provided, single submitter. Criteria: Ambry Variant Classification Scheme 2023. Collection method: clinical testing. Allele origin: germline.